The following is an entry in ClinVar:

NM_001009999.3(KDM1A):c.1817T>C (p.Leu606Pro)

Gene: KDM1A (lysine demethylase 1A; plus strand). Cytogenetic location: 1p36.12.
Variant type: single nucleotide variant.
Coding change: c.1817T>C on transcript NM_001009999.3 (MANE Select); coding-DNA position 1817, T replaced by C.
Protein change: p.Leu606Pro; replaces leucine 606 with proline.
Molecular consequence: missense variant.
Genome position (GRCh38, 1-based): chr1:23,077,310, T>C. VCF-style: chr1-23077310-T-C. GRCh37 (hg19) VCF-style: chr1-23403803-T-C.
Other names: c.1763T>C, p.Leu588Pro (NM_001363654.2); c.1745T>C, p.Leu582Pro (NM_015013.4); c.1817T>C (NM_001009999.2); short protein forms L606P, L588P, L582P.
Identifiers: ClinVar variation 591790 (VCV000591790.2), dbSNP rs1557596012, ClinGen allele CA338970258.

ClinVar aggregate classification (germline): Uncertain significance. Review status: criteria provided, single submitter (1 of 4 stars). 2 submissions from 2 submitters: Uncertain significance (1). 1 of the submissions does not count toward it. Last evaluated 2025-06-20.

Conditions:
Inborn genetic diseases. Identifiers: MedGen C0950123, MeSH D030342.

Submissions (2):

Ambry Genetics
Classification: Uncertain significance for Inborn genetic diseases. Last evaluated: 2025-06-20. Review status: criteria provided, single submitter. Criteria: Ambry Variant Classification Scheme 2023. Collection method: clinical testing. Allele origin: germline.
Comment: The p.L606P variant (also known as c.1817T>C), located in coding exon 16 of the KDM1A gene, results from a T to C substitution at nucleotide position 1817. The leucine at codon 606 is replaced by proline, an amino acid with similar properties. This amino acid position is conserved. In addition, this alteration is predicted to be deleterious by in silico analysis. Based on the available evidence, the clinical significance of this variant remains unclear.

Gharavi Laboratory, Columbia University
Classification: Uncertain significance. Last evaluated: 2018-09-16. Review status: no assertion criteria provided. Criteria: ACMG Guidelines, 2015. Collection method: research. Allele origin: germline. Affected: yes. Not counted in ClinVar's aggregate classification.